The following is an entry in ClinVar:

ClinVar aggregate classification (germline): Uncertain significance (1 of 4 stars; one submission).

Conditions:
Hereditary cancer-predisposing syndrome. Also called: Neoplastic Syndromes, Hereditary; Tumor predisposition; Hereditary neoplastic syndrome; Hereditary Cancer Syndrome. Identifiers: Orphanet 140162, MedGen C0027672, MeSH D009386, MONDO:0015356.

gnomAD v4.1: 1 of 1,614,126 alleles (0.000062%); highest among the groups gnomAD compares: South Asian, 0.0011%; no homozygotes.

Submission:

Ambry Genetics
Classification: Uncertain significance for Hereditary cancer-predisposing syndrome. Last evaluated: 2026-06-16. Review status: criteria provided, single submitter. Criteria: Ambry Variant Classification Scheme 2023. Collection method: clinical testing. Allele origin: germline.
Comment: The p.T994N variant (also known as c.2981C>A), located in coding exon 14 of the BLM gene, results from a C to A substitution at nucleotide position 2981. The threonine at codon 994 is replaced by asparagine, an amino acid with similar properties. This amino acid position is conserved. In addition, this alteration is predicted to be tolerated by in silico analysis. Based on the available evidence, the clinical significance of this variant remains unclear.

NM_000057.4(BLM):c.2981C>A (p.Thr994Asn)

Gene: BLM (BLM RecQ like helicase; plus strand). Cytogenetic location: 15q26.1.
Variant type: single nucleotide variant.
Coding change: c.2981C>A on transcript NM_000057.4 (MANE Select); coding-DNA position 2981, C replaced by A.
Protein change: p.Thr994Asn; replaces threonine 994 with asparagine.
Molecular consequence: missense variant.
Genome position (GRCh38, 1-based): chr15:90,790,806, C>A. VCF-style: chr15-90790806-C-A. GRCh37 (hg19) VCF-style: chr15-91334036-C-A.
Other names: c.2981C>A, p.Thr994Asn (NM_001287246.2, NM_001287247.2); c.1856C>A, p.Thr619Asn (NM_001287248.2); short protein forms T619N, T994N.
Identifiers: ClinVar variation 5032862 (VCV005032862.1).